The following is an entry in ClinVar:

NM_152263.4(TPM3):c.118C>T (p.Leu40=)

Gene: TPM3 (tropomyosin 3; minus strand). Cytogenetic location: 1q21.3.
Variant type: single nucleotide variant.
Coding change: c.118C>T on transcript NM_152263.4 (MANE Select); coding-DNA position 118, C replaced by T.
Protein change: p.Leu40=; no amino-acid change (leucine 40 retained).
Molecular consequence: synonymous variant. On other transcripts: non-coding transcript variant (1).
Genome position (GRCh38, 1-based): chr1:154,191,311, G>A on the plus strand (C>T on the coding strand, the complement: TPM3 is on the minus strand). VCF-style: chr1-154191311-G-A. GRCh37 (hg19) VCF-style: chr1-154163787-G-A.
Other names: c.118C>T, p.Leu40= (NM_001364679.2, NM_001364680.2, NM_001364681.2 and 1 more transcripts).
Identifiers: ClinVar variation 2933953 (VCV002933953.3), dbSNP rs1160675914, ClinGen allele CA420950051.

ClinVar aggregate classification (germline): Uncertain significance (1 of 4 stars; one submission).

Conditions:
Congenital myopathy 4B, autosomal recessive. Also called: Nemaline myopathy 1, autosomal dominant or recessive. Identifiers: Orphanet 171433, Orphanet 171439, Orphanet 171881, MedGen C5829889, MONDO:0012239, OMIM 609284.
Congenital myopathy with fiber type disproportion. Also called: Congenital fiber-type disproportion; Congenital fiber-type disproportion myopathy. Identifiers: Orphanet 2020, MedGen C0546264, MONDO:0009711. Inheritance: all.

Allele frequency attached by ClinVar (database versions not stated): gnomAD 0.00001.
gnomAD v4.1: 2 of 1,613,782 alleles (0.00012%); highest among the groups gnomAD compares: African/African-American, 0.0013%; no homozygotes.

Submission:

Labcorp Genetics (formerly Invitae), Labcorp
Classification: Uncertain significance for Congenital myopathy with fiber type disproportion; Congenital myopathy 4B, autosomal recessive. Last evaluated: 2023-02-14. Review status: criteria provided, single submitter. Criteria: Invitae Variant Classification Sherloc (09022015). Collection method: clinical testing. Allele origin: germline.
Comment: In summary, the available evidence is currently insufficient to determine the role of this variant in disease. Therefore, it has been classified as a Variant of Uncertain Significance. Algorithms developed to predict the effect of sequence changes on RNA splicing suggest that this variant is not likely to affect RNA splicing. This variant has not been reported in the literature in individuals affected with TPM3-related conditions. This variant is not present in population databases (gnomAD no frequency). This sequence change affects codon 40 of the TPM3 mRNA. It is a 'silent' change, meaning that it does not change the encoded amino acid sequence of the TPM3 protein. It affects a nucleotide within the consensus splice site.